The following is an entry in ClinVar:

NM_018896.5(CACNA1G):c.7008G>A (p.Pro2336=)

Gene: CACNA1G (calcium voltage-gated channel subunit alpha1 G; plus strand). Cytogenetic location: 17q21.33.
Variant type: single nucleotide variant.
Coding change: c.7008G>A on transcript NM_018896.5 (MANE Select); coding-DNA position 7008, G replaced by A.
Protein change: p.Pro2336=; no amino-acid change (proline 2336 retained).
Molecular consequence: synonymous variant. On other transcripts: non-coding transcript variant (5).
Genome position (GRCh38, 1-based): chr17:50,626,625, G>A. VCF-style: chr17-50626625-G-A. GRCh37 (hg19) VCF-style: chr17-48703986-G-A.
Other names: p.Pro2336=; c.6819G>A, p.Pro2273= (NM_001256324.2); c.6750G>A, p.Pro2250= (NM_001256325.2); c.6738G>A, p.Pro2246= (NM_001256326.2); c.6708G>A, p.Pro2236= (NM_001256327.2); c.6654G>A, p.Pro2218= (NM_001256328.2); c.6627G>A, p.Pro2209= (NM_001256329.2, NM_198387.3); c.6594G>A, p.Pro2198= (NM_001256330.2); and 19 more.
Identifiers: ClinVar variation 1240495 (VCV001240495.9), dbSNP rs9893223, ClinGen allele CA8653789.

ClinVar aggregate classification (germline): Benign. Review status: criteria provided, multiple submitters, no conflicts (2 of 4 stars). 4 submissions from 4 submitters: Benign (4). Last evaluated 2026-02-01.

Allele frequency attached by ClinVar (database versions not stated): ESP Exome Variant Server 0.13837; 1000 Genomes Project 0.19269; 1000 Genomes Project 30x 0.19738; TOPMed 0.16165.
gnomAD v4.1: 135,014 of 1,612,010 alleles (8.4%); highest among the groups gnomAD compares: African/African-American, 36%; 10,020 homozygotes.

Submissions (4):

Labcorp Genetics (formerly Invitae), Labcorp
Classification: Benign. Last evaluated: 2026-02-01. Review status: criteria provided, single submitter. Criteria: Invitae Variant Classification Sherloc (09022015). Collection method: clinical testing. Allele origin: germline.

Mayo Clinic Laboratories, Mayo Clinic
Classification: Benign. Last evaluated: 2022-03-24. Review status: criteria provided, single submitter. Criteria: ACMG Guidelines, 2015. Collection method: clinical testing. Allele origin: germline. Observed: 80 variant alleles.

GeneDx
Classification: Benign. Last evaluated: 2021-04-07. Review status: criteria provided, single submitter. Criteria: GeneDx Variant Classification Process June 2021. Collection method: clinical testing. Allele origin: germline. Affected: yes.
Comment: This variant is associated with the following publications: (PMID: 17397049)

Breakthrough Genomics
Classification: Benign. Review status: criteria provided, single submitter. Criteria: ACMG Guidelines, 2015. Collection method: not provided. Allele origin: germline. Inheritance: Autosomal dominant inheritance. Affected: yes.